The following is an entry in ClinVar:

ClinVar aggregate classification (germline): Uncertain significance (1 of 4 stars; one submission).

Conditions:
Inborn genetic diseases. Identifiers: MedGen C0950123, MeSH D030342.

Submission:

Ambry Genetics
Classification: Uncertain significance for Inborn genetic diseases. Last evaluated: 2024-11-02. Review status: criteria provided, single submitter. Criteria: Ambry Variant Classification Scheme 2023. Collection method: clinical testing. Allele origin: germline.
Comment: The p.T354S variant (also known as c.1060A>T), located in coding exon 9 of the BUB1B gene, results from an A to T substitution at nucleotide position 1060. The threonine at codon 354 is replaced by serine, an amino acid with similar properties. This amino acid position is conserved. In addition, this alteration is predicted to be tolerated by in silico analysis. Based on the available evidence, the clinical significance of this variant remains unclear.

NM_001211.6(BUB1B):c.1060A>T (p.Thr354Ser)

Gene: BUB1B (BUB1 mitotic checkpoint serine/threonine kinase B; plus strand). Cytogenetic location: 15q15.1.
Variant type: single nucleotide variant.
Coding change: c.1060A>T on transcript NM_001211.6 (MANE Select); coding-DNA position 1060, A replaced by T.
Protein change: p.Thr354Ser; replaces threonine 354 with serine.
Molecular consequence: missense variant.
Genome position (GRCh38, 1-based): chr15:40,196,546, A>T. VCF-style: chr15-40196546-A-T. GRCh37 (hg19) VCF-style: chr15-40488747-A-T.
Other names: short protein forms T354S.
Identifiers: ClinVar variation 3483228 (VCV003483228.1).
Genomic context (GRCh38, chr15:40,196,546, plus strand): 5'-AATCTTATTGATTTTTTTTATTTTGACCCATATGAATAATAGTAATTTTGCTTCTTTAGG[A>T]CACCATGTAAAATTGAACCTAGTATAAACCACATCCTAAGCACCAGAAAGCCTGGAAAGG-3'
Protein context (NP_001202.5, residues 344-364): VEETARQPVM[Thr354Ser]PCKIEPSINH